The following is an entry in ClinVar:

NM_002103.5(GYS1):c.631C>T (p.Arg211Cys)

Gene: GYS1 (glycogen synthase 1; minus strand). Cytogenetic location: 19q13.33.
Variant type: single nucleotide variant.
Coding change: c.631C>T on transcript NM_002103.5 (MANE Select); coding-DNA position 631, C replaced by T.
Protein change: p.Arg211Cys; replaces arginine 211 with cysteine.
Molecular consequence: missense variant. On other transcripts: non-coding transcript variant (1).
Genome position (GRCh38, 1-based): chr19:48,985,897, G>A on the plus strand (C>T on the coding strand, the complement: GYS1 is on the minus strand). VCF-style: chr19-48985897-G-A. GRCh37 (hg19) VCF-style: chr19-49489154-G-A.
Other names: c.439C>T, p.Arg147Cys (NM_001161587.2); short protein forms R211C, R147C.
Identifiers: ClinVar variation 970295 (VCV000970295.8), dbSNP rs150822415, ClinGen allele CA9563289.

ClinVar aggregate classification (germline): Uncertain significance. Review status: criteria provided, multiple submitters, no conflicts (2 of 4 stars). 3 submissions from 3 submitters: Uncertain significance (3). Last evaluated 2025-05-19.

Conditions:
Inborn genetic diseases. Identifiers: MedGen C0950123, MeSH D030342.
Glycogen storage disease due to muscle and heart glycogen synthase deficiency. Also called: GSD 0b; MUSCLE GLYCOGEN SYNTHASE DEFICIENCY. Identifiers: Orphanet 137625, MedGen C1969054, MONDO:0012693, OMIM 611556.

Allele frequency attached by ClinVar (database versions not stated): ExAC 0.00001; gnomAD exomes 0.00002; TOPMed 0.00002; gnomAD 0.00003 and 0.00004; ESP Exome Variant Server 0.00008.

Submissions (3):

Ambry Genetics
Classification: Uncertain significance for Inborn genetic diseases. Last evaluated: 2025-05-19. Review status: criteria provided, single submitter. Criteria: Ambry Variant Classification Scheme 2023. Collection method: clinical testing. Allele origin: germline.

Labcorp Genetics (formerly Invitae), Labcorp
Classification: Uncertain significance for Glycogen storage disease due to muscle and heart glycogen synthase deficiency. Last evaluated: 2022-10-17. Review status: criteria provided, single submitter. Criteria: Invitae Variant Classification Sherloc (09022015). Collection method: clinical testing. Allele origin: germline.
Comment: This sequence change replaces arginine, which is basic and polar, with cysteine, which is neutral and slightly polar, at codon 211 of the GYS1 protein (p.Arg211Cys). This variant is present in population databases (rs150822415, gnomAD 0.02%). This variant has not been reported in the literature in individuals affected with GYS1-related conditions. ClinVar contains an entry for this variant (Variation ID: 970295). Advanced modeling of protein sequence and biophysical properties (such as structural, functional, and spatial information, amino acid conservation, physicochemical variation, residue mobility, and thermodynamic stability) performed at Invitae indicates that this missense variant is expected to disrupt GYS1 protein function. In summary, the available evidence is currently insufficient to determine the role of this variant in disease. Therefore, it has been classified as a Variant of Uncertain Significance.

GeneDx
Classification: Uncertain significance. Last evaluated: 2019-01-25. Review status: criteria provided, single submitter. Criteria: GeneDx Variant Classification Process June 2021. Collection method: clinical testing. Allele origin: germline. Affected: yes.
Comment: In silico analysis, which includes protein predictors and evolutionary conservation, supports a deleterious effect; Has not been previously published as pathogenic or benign to our knowledge